The following is an entry in ClinVar:

NM_016169.4(SUFU):c.204G>T (p.Leu68Phe)

Gene: SUFU (SUFU negative regulator of hedgehog signaling; plus strand). Cytogenetic location: 10q24.32.
Variant type: single nucleotide variant.
Coding change: c.204G>T on transcript NM_016169.4 (MANE Select); coding-DNA position 204, G replaced by T.
Protein change: p.Leu68Phe; replaces leucine 68 with phenylalanine.
Molecular consequence: missense variant.
Genome position (GRCh38, 1-based): chr10:102,509,190, G>T. VCF-style: chr10-102509190-G-T. GRCh37 (hg19) VCF-style: chr10-104268947-G-T.
Other names: c.204G>T, p.Leu68Phe (NM_001178133.2); short protein forms L68F.
Identifiers: ClinVar variation 3763694 (VCV003763694.2).

ClinVar aggregate classification (germline): Uncertain significance (1 of 4 stars; one submission).

Conditions:
Gorlin syndrome. Also called: Basal cell nevus syndrome; Nevoid Basal Cell Carcinoma Syndrome. Identifiers: Orphanet 377, MedGen C0004779, MONDO:0007187.
Medulloblastoma (MDB). Also called: MEDULLOBLASTOMA PREDISPOSITION SYNDROME; Medulloblastoma, somatic. Identifiers: Orphanet 616, MedGen C0025149, MeSH D008527, MONDO:0007959, OMIM 155255, HP:0002885.

gnomAD v4.1: 1 of 1,614,144 alleles (0.000062%); highest among the groups gnomAD compares: Non-Finnish European, 0.000085%; no homozygotes.

Submission:

Labcorp Genetics (formerly Invitae), Labcorp
Classification: Uncertain significance for Gorlin syndrome; Medulloblastoma. Last evaluated: 2024-07-18. Review status: criteria provided, single submitter. Criteria: Invitae Variant Classification Sherloc (09022015). Collection method: clinical testing. Allele origin: germline.
Comment: This sequence change replaces leucine, which is neutral and non-polar, with phenylalanine, which is neutral and non-polar, at codon 68 of the SUFU protein (p.Leu68Phe). This variant is not present in population databases (gnomAD no frequency). This variant has not been reported in the literature in individuals affected with SUFU-related conditions. Advanced modeling of protein sequence and biophysical properties (such as structural, functional, and spatial information, amino acid conservation, physicochemical variation, residue mobility, and thermodynamic stability) performed at Invitae indicates that this missense variant is expected to disrupt SUFU protein function with a positive predictive value of 80%. In summary, the available evidence is currently insufficient to determine the role of this variant in disease. Therefore, it has been classified as a Variant of Uncertain Significance.